The following is an entry in ClinVar:

ClinVar aggregate classification (germline): Uncertain significance. Review status: criteria provided, multiple submitters, no conflicts (2 of 4 stars). 2 submissions from 2 submitters: Uncertain significance (2). Last evaluated 2025-04-20.

Conditions:
Cardiovascular phenotype. Identifiers: MedGen CN230736.

Submissions (2):

Ambry Genetics
Classification: Uncertain significance for Cardiovascular phenotype. Last evaluated: 2025-04-20. Review status: criteria provided, single submitter. Criteria: Ambry Variant Classification Scheme 2023. Collection method: clinical testing. Allele origin: germline.
Comment: The p.V231A variant (also known as c.692T>C), located in coding exon 1 of the ALPK3 gene, results from a T to C substitution at nucleotide position 692. The valine at codon 231 is replaced by alanine, an amino acid with similar properties. This amino acid position is well conserved in available vertebrate species; however, alanine is the reference amino acid in other vertebrate species. In addition, this alteration is predicted to be tolerated by in silico analysis. Since supporting evidence is limited at this time, the clinical significance of this alteration remains unclear.

Women's Health and Genetics/Laboratory Corporation of America, LabCorp
Classification: Uncertain significance. Last evaluated: 2024-07-02. Review status: criteria provided, single submitter. Criteria: LabCorp Variant Classification Summary - May 2015. Collection method: clinical testing. Allele origin: germline.
Comment: Variant summary: ALPK3 c.86T>C (p.Val29Ala) results in a non-conservative amino acid change in the encoded protein sequence. Two of three in-silico tools predict a benign effect of the variant on protein function. The variant was absent in 94106 control chromosomes (gnomAD v2.1). The available data on variant occurrences in the general population are insufficient to allow any conclusion about variant significance. To our knowledge, no occurrence of c.86T>C in individuals affected with Cardiomyopathy and no experimental evidence demonstrating its impact on protein function have been reported. ClinVar contains an entry for this variant (Variation ID: 1756207). Based on the evidence outlined above, the variant was classified as uncertain significance.

NM_020778.5(ALPK3):c.86T>C (p.Val29Ala)

Gene: ALPK3 (alpha kinase 3; plus strand). Cytogenetic location: 15q25.3.
Variant type: single nucleotide variant.
Coding change: c.86T>C on transcript NM_020778.5 (MANE Select); coding-DNA position 86, T replaced by C.
Protein change: p.Val29Ala; replaces valine 29 with alanine.
Molecular consequence: missense variant.
Genome position (GRCh38, 1-based): chr15:84,817,538, T>C. VCF-style: chr15-84817538-T-C. GRCh37 (hg19) VCF-style: chr15-85360769-T-C.
Other names: short protein forms V29A.
Identifiers: ClinVar variation 1756207 (VCV001756207.4), dbSNP rs2505689338, ClinGen allele CA393369437.
Genomic context (GRCh38, chr15:84,817,538, plus strand): 5'-GGGGCTGGGGCGCGGGTGGGCGGTCGGGGGCGGGGGGCGACGGTGAGGACGACGGCCCCG[T>C]GTGGATCCCCAGCCCAGCCAGCCGGAGCTACCTGCTCAGCGTGCGGCCCGAGACCAGGTA-3'
Protein context (NP_065829.4, residues 19-39): AGGDGEDDGP[Val29Ala]WIPSPASRSY